The following is an entry in ClinVar:

ClinVar aggregate classification (germline): Uncertain significance (1 of 4 stars; one submission).

Submission:

GeneDx
Classification: Uncertain significance. Last evaluated: 2022-08-13. Review status: criteria provided, single submitter. Criteria: GeneDx Variant Classification Process June 2021. Collection method: clinical testing. Allele origin: germline. Affected: yes.
Comment: Not observed at significant frequency in large population cohorts (gnomAD); In silico analysis supports that this missense variant does not alter protein structure/function; Has not been previously published as pathogenic or benign to our knowledge

NM_021224.6(ZNF462):c.1444T>C (p.Ser482Pro)

Gene: ZNF462 (zinc finger protein 462; plus strand). Cytogenetic location: 9q31.2.
Variant type: single nucleotide variant.
Coding change: c.1444T>C on transcript NM_021224.6 (MANE Select); coding-DNA position 1444, T replaced by C.
Protein change: p.Ser482Pro; replaces serine 482 with proline.
Molecular consequence: missense variant.
Genome position (GRCh38, 1-based): chr9:106,925,356, T>C. VCF-style: chr9-106925356-T-C. GRCh37 (hg19) VCF-style: chr9-109687637-T-C.
Other names: c.1444T>C, p.Ser482Pro (NM_001347997.2); short protein forms S482P.
Identifiers: ClinVar variation 2429534 (VCV002429534.1), dbSNP rs2538733841, ClinGen allele CA374384603.